The following is an entry in ClinVar:

ClinVar aggregate classification (germline): Uncertain significance (1 of 4 stars; one submission).

Conditions:
Hereditary cancer-predisposing syndrome. Also called: Neoplastic Syndromes, Hereditary; Tumor predisposition; Hereditary neoplastic syndrome; Hereditary Cancer Syndrome. Identifiers: Orphanet 140162, MedGen C0027672, MeSH D009386, MONDO:0015356.

gnomAD v4.1: 1 of 1,614,142 alleles (0.000062%); no homozygotes.

Submission:

Ambry Genetics
Classification: Uncertain significance for Hereditary cancer-predisposing syndrome. Last evaluated: 2026-06-26. Review status: criteria provided, single submitter. Criteria: Ambry Variant Classification Scheme 2023. Collection method: clinical testing. Allele origin: germline.
Comment: The p.S1132C variant (also known as c.3395C>G), located in coding exon 20 of the PTCH1 gene, results from a C to G substitution at nucleotide position 3395. The serine at codon 1132 is replaced by cysteine, an amino acid with dissimilar properties. This amino acid position is highly conserved in available vertebrate species. In addition, this alteration is predicted to be deleterious by in silico analysis. Based on the available evidence, the clinical significance of this variant remains unclear.

NM_000264.5(PTCH1):c.3395C>G (p.Ser1132Cys)

Gene: PTCH1 (patched 1; minus strand). Cytogenetic location: 9q22.32.
Variant type: single nucleotide variant.
Coding change: c.3395C>G on transcript NM_000264.5 (MANE Select); coding-DNA position 3395, C replaced by G.
Protein change: p.Ser1132Cys; replaces serine 1132 with cysteine.
Molecular consequence: missense variant. On other transcripts: non-coding transcript variant (1).
Genome position (GRCh38, 1-based): chr9:95,453,532, G>C on the plus strand (C>G on the coding strand, the complement: PTCH1 is on the minus strand). VCF-style: chr9-95453532-G-C. GRCh37 (hg19) VCF-style: chr9-98215814-G-C.
Other names: c.3197C>G, p.Ser1066Cys (NM_001083602.3); c.3392C>G, p.Ser1131Cys (NM_001083603.3); c.2942C>G, p.Ser981Cys (NM_001083604.3, NM_001083605.3, NM_001083606.3 and 1 more transcripts); c.3239C>G, p.Ser1080Cys (NM_001354918.2); short protein forms S1131C, S1080C, S1132C, S1066C, S981C.
Identifiers: ClinVar variation 5027445 (VCV005027445.1).